The following is an entry in ClinVar:

ClinVar aggregate classification (germline): Uncertain significance. Review status: reviewed by expert panel (3 of 4 stars). 3 submissions from 3 submitters: Uncertain significance (1). 2 of the submissions do not count toward it. Last evaluated 2023-06-15.

Conditions:
Angelman syndrome (AS). Also called: HAPPY PUPPET SYNDROME. Identifiers: Orphanet 72, MedGen C0162635, MONDO:0007113, OMIM 105830. Disease mechanism: loss of function. Inheritance: AS is caused by disruption of maternally imprinted UBE3A located within the 15q11.2-q13 Angelman syndrome/Prader-Willi syndrome (AS/PWS) region., imprinting disorder.

Allele frequency attached by ClinVar (database versions not stated): ExAC 0.00008; gnomAD 0.00003; gnomAD exomes 0.00003; TOPMed 0.00003.
gnomAD v4.1: 110 of 1,545,792 alleles (0.0071%); highest among the groups gnomAD compares: Non-Finnish European, 0.0092%; no homozygotes.

Submissions (3):

ClinGen Rett and Angelman-like Disorders Variant Curation Expert Panel
Classification: Uncertain significance for Angelman syndrome. Last evaluated: 2023-06-15. Review status: reviewed by expert panel. Criteria: ClinGen RettAS ACMG Specifications UBE3A V4.0.0. Collection method: curation. Allele origin: germline. Inheritance: Autosomal dominant inheritance.
Comment: The c.*4A>G variant in UBE3A (NM_130838.2) is present in gnomAD v2.1.1 at a frequency of 0.0068% in the European (non-Finnish) sub population (no criteria met). In summary, the c.*4A>G variant in UBE3A is classified as Variant of Uncertain Significance based on the ACMG/AMP criteria (no criteria met).

GeneDx
Classification: Likely benign. Last evaluated: 2019-12-23. Review status: criteria provided, single submitter. Criteria: GeneDx Variant Classification Process June 2021. Collection method: clinical testing. Allele origin: germline. Affected: yes. Not counted in ClinVar's aggregate classification.

Eurofins Ntd Llc (ga)
Classification: Uncertain significance. Last evaluated: 2018-05-15. Review status: criteria provided, single submitter. Criteria: EGL ClinVar v180209 classification definitions. Collection method: clinical testing. Allele origin: germline. Observed: 2 variant alleles, 2 heterozygotes. Not counted in ClinVar's aggregate classification.

NM_130839.5(UBE3A):c.*4A>G

Genes: SNHG14 (small nucleolar RNA host gene 14; plus strand), UBE3A (ubiquitin protein ligase E3A; minus strand). Cytogenetic location: 15q11.2.
Variant type: single nucleotide variant.
Coding change: c.*4A>G on transcript NM_130839.5 (MANE Select); 4 bases downstream of the stop codon, A replaced by G.
Molecular consequence: 3 prime UTR variant. On other transcripts: non-coding transcript variant (1).
Genome position (GRCh38, 1-based): chr15:25,339,133, T>C on the plus strand (A>G on the coding strand, the complement: UBE3A is on the minus strand). VCF-style: chr15-25339133-T-C. GRCh37 (hg19) VCF-style: chr15-25584280-T-C.
Other names: c.*4A>G (NM_000462.5, NM_001354505.1, NM_001354506.2 and 24 more transcripts).
Identifiers: ClinVar variation 597013 (VCV000597013.9), dbSNP rs755581358, ClinGen allele CA7435334.